The following is an entry in ClinVar:

ClinVar aggregate classification (germline): Pathogenic (1 of 4 stars; one submission).

Conditions:
Familial cancer of breast. Also called: Hereditary breast cancer; BREAST CANCER, FAMILIAL; hereditary breast carcinoma. Identifiers: Orphanet 227535, MedGen C0346153, MONDO:0016419, OMIM 114480. Disease mechanism: loss of function.

Submission:

Myriad Genetics, Inc.
Classification: Pathogenic for Familial cancer of breast. Last evaluated: 2023-05-30. Review status: criteria provided, single submitter. Criteria: Myriad Autosomal Dominant, Autosomal Recessive and X-Linked Classification Criteria (2023). Collection method: clinical testing. Allele origin: unknown.
Comment: This variant is considered pathogenic. This variant creates a frameshift predicted to result in premature protein truncation.

NM_032043.3(BRIP1):c.332dup (p.Ser112fs)

Gene: BRIP1 (BRCA1 interacting DNA helicase 1; minus strand). Cytogenetic location: 17q23.2.
Variant type: Duplication.
Coding change: c.332dup on transcript NM_032043.3 (MANE Select); coding-DNA position 332, one base duplicated (C; older notation c.332dupC).
Protein change: p.Ser112fs; shifts the reading frame from serine 112.
Molecular consequence: frameshift variant.
Genome position (GRCh38, 1-based): chr17:61,857,105, G duplicated on the plus strand (C on the coding strand, the reverse complement: BRIP1 is on the minus strand); the first of 2 consecutive G bases (chr17:61,857,105-61,857,106); duplicating either gives the same sequence. VCF-style (leftmost placement, unchanged base first): chr17-61857104-T-TG. GRCh37 (hg19) VCF-style: chr17-59934465-T-TG.
Other names: short protein forms S112fs.
Identifiers: ClinVar variation 2583653 (VCV002583653.2), dbSNP rs2545458587, ClinGen allele CA2582342232.